The following is an entry in ClinVar:

ClinVar aggregate classification (germline): Conflicting classifications of pathogenicity. Review status: criteria provided, conflicting classifications (1 of 4 stars). 5 submissions from 5 submitters: Uncertain significance (4); Benign (1). Last evaluated 2024-10-30.

Conditions:
Rhabdoid tumor predisposition syndrome 2 (RTPS2). Identifiers: Orphanet 231108, Orphanet 69077, MedGen C2750074, MONDO:0013224, OMIM 613325.
Hereditary cancer-predisposing syndrome. Also called: Hereditary neoplastic syndrome; Neoplastic Syndromes, Hereditary; Tumor predisposition; Hereditary Cancer Syndrome. Identifiers: Orphanet 140162, MedGen C0027672, MeSH D009386, MONDO:0015356.
Intellectual disability, autosomal dominant 16 (CSS4). Also called: COFFIN-SIRIS SYNDROME 4. Identifiers: Orphanet 1465, MedGen C3553249, MONDO:0013821, OMIM 614609.

Allele frequency attached by ClinVar (database versions not stated): gnomAD exomes 0.00001; ExAC 0.00002; TOPMed 0.00002; gnomAD 0.00001.
gnomAD v4.1: 12 of 1,612,888 alleles (0.00074%); highest among the groups gnomAD compares: African/African-American, 0.0027%; no homozygotes.

Submissions (5):

Labcorp Genetics (formerly Invitae), Labcorp
Classification: Uncertain significance for Rhabdoid tumor predisposition syndrome 2. Last evaluated: 2024-10-30. Review status: criteria provided, single submitter. Criteria: Invitae Variant Classification Sherloc (09022015). Collection method: clinical testing. Allele origin: germline.
Comment: This sequence change replaces alanine, which is neutral and non-polar, with valine, which is neutral and non-polar, at codon 290 of the SMARCA4 protein (p.Ala290Val). This variant is present in population databases (rs763054014, gnomAD 0.01%). This variant has not been reported in the literature in individuals affected with SMARCA4-related conditions. ClinVar contains an entry for this variant (Variation ID: 470466). An algorithm developed to predict the effect of missense changes on protein structure and function outputs the following: PolyPhen-2: "Benign". The valine amino acid residue is found in multiple mammalian species, which suggests that this missense change does not adversely affect protein function. In summary, the available evidence is currently insufficient to determine the role of this variant in disease. Therefore, it has been classified as a Variant of Uncertain Significance.

Quest Diagnostics Nichols Institute San Juan Capistrano
Classification: Uncertain significance. Last evaluated: 2024-02-06. Review status: criteria provided, single submitter. Criteria: Quest Diagnostics criteria. Collection method: clinical testing. Allele origin: unknown.
Comment: The SMARCA4 c.869C>T (p.Ala290Val) variant has not been reported in individuals with SMARCA4-related conditions in the published literature. The frequency of this variant in the general population, 0.000012 (3/241648 chromosomes (Genome Aggregation Database)), is uninformative in the assessment of its pathogenicity. Analysis of this variant using bioinformatics tools for the prediction of the effect of amino acid changes on protein structure and function yielded predictions that this variant is benign. Additional analysis using software algorithms for the prediction of the effect of nucleotide changes on SMARCA4 mRNA splicing yielded predictions that this variant may result in the gain of a cryptic splice site without affecting the natural splice sites. Based on the available information, we are unable to determine the clinical significance of this variant.

Baylor Genetics
Classification: Uncertain significance for Rhabdoid tumor predisposition syndrome 2. Last evaluated: 2023-10-10. Review status: criteria provided, single submitter. Criteria: ACMG Guidelines, 2015. Collection method: clinical testing. Allele origin: unknown.

Ambry Genetics
Classification: Benign for Hereditary cancer-predisposing syndrome. Last evaluated: 2023-03-10. Review status: criteria provided, single submitter. Criteria: Ambry Variant Classification Scheme 2023. Collection method: clinical testing. Allele origin: germline.

Genome-Nilou Lab
Classification: Uncertain significance for Intellectual disability, autosomal dominant 16. Last evaluated: 2021-07-15. Review status: criteria provided, single submitter. Criteria: ACMG Guidelines, 2015. Collection method: clinical testing. Allele origin: germline. Affected: no.

NM_003072.5(SMARCA4):c.869C>T (p.Ala290Val)

Gene: SMARCA4 (SWI/SNF related BAF chromatin remodeling complex subunit ATPase 4; plus strand). Cytogenetic location: 19p13.2.
Variant type: single nucleotide variant.
Coding change: c.869C>T on transcript NM_003072.5 (MANE Select); coding-DNA position 869, C replaced by T.
Protein change: p.Ala290Val; replaces alanine 290 with valine.
Molecular consequence: missense variant. On other transcripts: non-coding transcript variant (1).
Genome position (GRCh38, 1-based): chr19:10,987,675, C>T. VCF-style: chr19-10987675-C-T. GRCh37 (hg19) VCF-style: chr19-11098351-C-T.
Other names: c.869C>T, p.Ala290Val (NM_001128844.3, NM_001128845.2, NM_001128846.2 and 5 more transcripts); short protein forms A290V.
Identifiers: ClinVar variation 470466 (VCV000470466.17), dbSNP rs763054014, ClinGen allele CA9203615.